The following is an entry in ClinVar:

NM_004998.4(MYO1E):c.1135C>A (p.His379Asn)

Gene: MYO1E (myosin IE; minus strand). Cytogenetic location: 15q22.2.
Variant type: single nucleotide variant.
Coding change: c.1135C>A on transcript NM_004998.4 (MANE Select); coding-DNA position 1135, C replaced by A.
Protein change: p.His379Asn; replaces histidine 379 with asparagine.
Molecular consequence: missense variant.
Genome position (GRCh38, 1-based): chr15:59,214,693, G>T on the plus strand (C>A on the coding strand, the complement: MYO1E is on the minus strand). VCF-style: chr15-59214693-G-T. GRCh37 (hg19) VCF-style: chr15-59506892-G-T.
Other names: short protein forms H379N.
Identifiers: ClinVar variation 1463324 (VCV001463324.8), dbSNP rs150983259, ClinGen allele CA392650314.

ClinVar aggregate classification (germline): Uncertain significance (1 of 4 stars; one submission).

gnomAD v4.1: 6 of 1,613,578 alleles (0.00037%); highest among the groups gnomAD compares: East Asian, 0.013%; no homozygotes.

Submission:

Labcorp Genetics (formerly Invitae), Labcorp
Classification: Uncertain significance. Last evaluated: 2021-05-04. Review status: criteria provided, single submitter. Criteria: Invitae Variant Classification Sherloc (09022015). Collection method: clinical testing. Allele origin: germline.
Comment: This sequence change replaces histidine with asparagine at codon 379 of the MYO1E protein (p.His379Asn). The histidine residue is highly conserved and there is a small physicochemical difference between histidine and asparagine. This variant is not present in population databases (ExAC no frequency). This variant has not been reported in the literature in individuals with MYO1E-related conditions. Algorithms developed to predict the effect of missense changes on protein structure and function (SIFT, PolyPhen-2, Align-GVGD) all suggest that this variant is likely to be tolerated, but these predictions have not been confirmed by published functional studies and their clinical significance is uncertain. In summary, the available evidence is currently insufficient to determine the role of this variant in disease. Therefore, it has been classified as a Variant of Uncertain Significance.